The following is an entry in ClinVar:

NM_172107.4(KCNQ2):c.981_985delinsCCCGGCAGCAGG (p.Lys327fs)

Gene: KCNQ2 (potassium voltage-gated channel subfamily Q member 2; minus strand). Cytogenetic location: 20q13.33.
Variant type: Indel.
Coding change: c.981_985delinsCCCGGCAGCAGG on transcript NM_172107.4 (MANE Select); coding-DNA positions 981 to 985, GCACT replaced by CCCGGCAGCAGG.
Protein change: p.Lys327fs; shifts the reading frame from lysine 327.
Molecular consequence: frameshift variant.
Genome position (GRCh38, 1-based): chr20:63,438,663-63,438,667, AGTGC replaced by CCTGCTGCCGGG on the plus strand (GCACT replaced by CCCGGCAGCAGG on the coding strand, the reverse complement: KCNQ2 is on the minus strand). VCF-style: chr20-63438663-AGTGC-CCTGCTGCCGGG. GRCh37 (hg19) VCF-style: chr20-62070016-AGTGC-CCTGCTGCCGGG.
Other names: c.981_985delinsCCCGGCAGCAGG, p.Lys327fs (NM_004518.6, NM_172106.3, NM_172108.5 and 1 more transcripts); c.981_985delGCACTinsCCCGGCAGCAGG (NM_172107.2); c.981_985delinsCCCGGCAGCAGG (NM_172107.2); short protein forms K327fs.
Identifiers: ClinVar variation 453040 (VCV000453040.3), dbSNP rs1555869796, ClinGen allele CA658658879.

ClinVar aggregate classification (germline): Pathogenic (1 of 4 stars; one submission).

Submission:

GeneDx
Classification: Pathogenic. Last evaluated: 2023-08-09. Review status: criteria provided, single submitter. Criteria: GeneDx Variant Classification Process June 2021. Collection method: clinical testing. Allele origin: germline. Affected: yes.
Comment: Frameshift variant predicted to result in protein truncation or nonsense mediated decay in a gene for which loss of function is a known mechanism of disease; Not observed at significant frequency in large population cohorts (gnomAD); Has not been previously published as pathogenic or benign to our knowledge